The following is an entry in ClinVar:

ClinVar aggregate classification (germline): Uncertain significance (1 of 4 stars; one submission).

Submission:

GeneDx
Classification: Uncertain significance. Last evaluated: 2024-03-01. Review status: criteria provided, single submitter. Criteria: GeneDx Variant Classification Process June 2021. Collection method: clinical testing. Allele origin: germline. Affected: yes.
Comment: Not observed at significant frequency in large population cohorts (gnomAD); In silico analysis supports that this missense variant has a deleterious effect on protein structure/function; Has not been previously published as pathogenic or benign to our knowledge; This variant is associated with the following publications: (PMID: 19781682)

NM_000051.4(ATM):c.4131T>A (p.Asn1377Lys)

Gene: ATM (ATM serine/threonine kinase; plus strand). Cytogenetic location: 11q22.3.
Variant type: single nucleotide variant.
Coding change: c.4131T>A on transcript NM_000051.4 (MANE Select); coding-DNA position 4131, T replaced by A.
Protein change: p.Asn1377Lys; replaces asparagine 1377 with lysine.
Molecular consequence: missense variant.
Genome position (GRCh38, 1-based): chr11:108,288,998, T>A. VCF-style: chr11-108288998-T-A. GRCh37 (hg19) VCF-style: chr11-108159725-T-A.
Other names: c.4131T>A, p.Asn1377Lys (NM_001351834.2); short protein forms N1377K.
Identifiers: ClinVar variation 3373619 (VCV003373619.1).
Genomic context (GRCh38, chr11:108,288,998, plus strand): 5'-TTAAAACGATGACTGTATTTTTTCCCTTAACTCTGTTAGGGATTTGGATCCTGCTCCTAA[T>A]CCACCTCATTTTCCATCGCATGTGATTAAAGCAACATTTGCCTATATCAGCAATTGTCAT-3'
Protein context (NP_000042.3, residues 1367-1387): DFSGDLDPAP[Asn1377Lys]PPHFPSHVIK